The following is an entry in ClinVar:

ClinVar aggregate classification (germline): Likely benign (1 of 4 stars; one submission).

Submission:

CeGaT Center for Human Genetics Tuebingen
Classification: Likely benign. Last evaluated: 2025-10-01. Review status: criteria provided, single submitter. Criteria: CeGaT Center For Human Genetics Tuebingen Variant Classification Criteria Version 2. Collection method: clinical testing. Allele origin: germline. Affected: yes. Observed: 1 variant allele.
Comment: ABRAXAS1: BP4, BP7

NM_139076.3(ABRAXAS1):c.178+1914G>A

Gene: ABRAXAS1 (abraxas 1, BRCA1 A complex subunit; minus strand). Cytogenetic location: 4q21.23.
Variant type: single nucleotide variant.
Coding change: c.178+1914G>A on transcript NM_139076.3 (MANE Select); 1914 bases into the intron after coding-DNA position 178, G replaced by A.
Molecular consequence: intron variant.
Genome position (GRCh38, 1-based): chr4:83,480,240, C>T on the plus strand (G>A on the coding strand, the complement: ABRAXAS1 is on the minus strand). VCF-style: chr4-83480240-C-T. GRCh37 (hg19) VCF-style: chr4-84401393-C-T.
Other names: c.-83+1914G>A (NM_001345962.2).
Identifiers: ClinVar variation 4534180 (VCV004534180.6).